The following is an entry in ClinVar:

NM_001330260.2(SCN8A):c.4487G>A (p.Gly1496Asp)

Gene: SCN8A (sodium voltage-gated channel alpha subunit 8; plus strand). Cytogenetic location: 12q13.13.
Variant type: single nucleotide variant.
Coding change: c.4487G>A on transcript NM_001330260.2 (MANE Select); coding-DNA position 4487, G replaced by A.
Protein change: p.Gly1496Asp; replaces glycine 1496 with aspartic acid.
Molecular consequence: missense variant.
Genome position (GRCh38, 1-based): chr12:51,790,465, G>A. VCF-style: chr12-51790465-G-A. GRCh37 (hg19) VCF-style: chr12-52184249-G-A.
Other names: c.4364G>A, p.Gly1455Asp (NM_001177984.3, NM_001369788.1); c.4487G>A, p.Gly1496Asp (NM_014191.4); short protein forms G1455D, G1496D.
Identifiers: ClinVar variation 1482151 (VCV001482151.9), dbSNP rs762777153, ClinGen allele CA384909157.

ClinVar aggregate classification (germline): Pathogenic (1 of 4 stars; one submission).

Conditions:
Early-infantile DEE. Also called: Ohtahara syndrome; Early infantile epileptic encephalopathy; Early infantile epileptic encephalopathy with suppression bursts. Identifiers: Orphanet 1934, MedGen C0393706, MONDO:0800491.

Submission:

Labcorp Genetics (formerly Invitae), Labcorp
Classification: Pathogenic for Early-infantile DEE. Last evaluated: 2023-10-13. Review status: criteria provided, single submitter. Criteria: Invitae Variant Classification Sherloc (09022015). Collection method: clinical testing. Allele origin: germline.
Comment: This sequence change replaces glycine, which is neutral and non-polar, with aspartic acid, which is acidic and polar, at codon 1496 of the SCN8A protein (p.Gly1496Asp). This variant is not present in population databases (gnomAD no frequency). This missense change has been observed in individual(s) with SCN8A-related conditions (Invitae). In at least one individual the variant was observed to be de novo. ClinVar contains an entry for this variant (Variation ID: 1482151). Advanced modeling of protein sequence and biophysical properties (such as structural, functional, and spatial information, amino acid conservation, physicochemical variation, residue mobility, and thermodynamic stability) performed at Invitae indicates that this missense variant is expected to disrupt SCN8A protein function. For these reasons, this variant has been classified as Pathogenic.